The following is an entry in ClinVar:

NM_053025.4(MYLK):c.208G>A (p.Gly70Arg)

Gene: MYLK (myosin light chain kinase; minus strand). Cytogenetic location: 3q21.1.
Variant type: single nucleotide variant.
Coding change: c.208G>A on transcript NM_053025.4 (MANE Select); coding-DNA position 208, G replaced by A.
Protein change: p.Gly70Arg; replaces glycine 70 with arginine.
Molecular consequence: missense variant. On other transcripts: intron variant (1).
Genome position (GRCh38, 1-based): chr3:123,752,496, C>T on the plus strand (G>A on the coding strand, the complement: MYLK is on the minus strand). VCF-style: chr3-123752496-C-T. GRCh37 (hg19) VCF-style: chr3-123471343-C-T.
Other names: c.208G>A, p.Gly70Arg (NM_053026.4, NM_053027.4, NM_053028.4); c.-155-12495G>A (NM_001321309.2); short protein forms G70R.
Identifiers: ClinVar variation 573308 (VCV000573308.16), dbSNP rs779602599, ClinGen allele CA068367.

ClinVar aggregate classification (germline): Uncertain significance. Review status: criteria provided, multiple submitters, no conflicts (2 of 4 stars). 5 submissions from 5 submitters: Uncertain significance (5). Last evaluated 2026-01-07.

Conditions:
Aortic aneurysm, familial thoracic 7 (AAT7). Also called: AORTIC DISSECTION, FAMILIAL, WITH OR WITHOUT AORTIC ANEURYSM. Identifiers: MedGen C3151077, MONDO:0013418, OMIM 613780.
Megacystis-microcolon-intestinal hypoperistalsis syndrome 1. Identifiers: MedGen C5542316, MONDO:0100354, OMIM 249210.
Familial thoracic aortic aneurysm and aortic dissection (TAAD). Also called: Thoracic aortic aneurysms and dissections. Identifiers: Orphanet 91387, MedGen C4707243, MONDO:0019625.

Allele frequency attached by ClinVar (database versions not stated): ExAC 0.00001; gnomAD 0.00001 and 0.00002; gnomAD exomes 0.00002 and 0.00003; TOPMed 0.00004.
gnomAD v4.1: 36 of 1,613,948 alleles (0.0022%); highest among the groups gnomAD compares: Admixed American, 0.013%; no homozygotes.

Submissions (5):

Labcorp Genetics (formerly Invitae), Labcorp
Classification: Uncertain significance for Aortic aneurysm, familial thoracic 7. Last evaluated: 2026-01-07. Review status: criteria provided, single submitter. Criteria: Invitae Variant Classification Sherloc (09022015). Collection method: clinical testing. Allele origin: germline.
Comment: This sequence change replaces glycine, which is neutral and non-polar, with arginine, which is basic and polar, at codon 70 of the MYLK protein (p.Gly70Arg). This variant is present in population databases (rs779602599, gnomAD 0.009%). This variant has not been reported in the literature in individuals affected with MYLK-related conditions. ClinVar contains an entry for this variant (Variation ID: 573308). Invitae Evidence Modeling of protein sequence and biophysical properties (such as structural, functional, and spatial information, amino acid conservation, physicochemical variation, residue mobility, and thermodynamic stability) indicates that this missense variant is not expected to disrupt MYLK protein function with a negative predictive value of 95%. In summary, the available evidence is currently insufficient to determine the role of this variant in disease. Therefore, it has been classified as a Variant of Uncertain Significance.

Ambry Genetics
Classification: Uncertain significance for Familial thoracic aortic aneurysm and aortic dissection. Last evaluated: 2025-02-19. Review status: criteria provided, single submitter. Criteria: Ambry Variant Classification Scheme 2023. Collection method: clinical testing. Allele origin: germline.
Comment: The p.G70R variant (also known as c.208G>A), located in coding exon 2 of the MYLK gene, results from a G to A substitution at nucleotide position 208. The glycine at codon 70 is replaced by arginine, an amino acid with dissimilar properties. This amino acid position is highly conserved in available vertebrate species. In addition, this alteration is predicted to be tolerated by in silico analysis. Based on the available evidence, the clinical significance of this variant remains unclear.

Women's Health and Genetics/Laboratory Corporation of America, LabCorp
Classification: Uncertain significance. Last evaluated: 2024-02-19. Review status: criteria provided, single submitter. Criteria: LabCorp Variant Classification Summary - May 2015. Collection method: clinical testing. Allele origin: germline.

Fulgent Genetics
Classification: Uncertain significance for Megacystis-microcolon-intestinal hypoperistalsis syndrome 1; Aortic aneurysm, familial thoracic 7. Last evaluated: 2021-08-17. Review status: criteria provided, single submitter. Criteria: ACMG Guidelines, 2015. Collection method: clinical testing. Allele origin: unknown.

GeneDx
Classification: Uncertain significance. Last evaluated: 2020-02-19. Review status: criteria provided, single submitter. Criteria: GeneDx Variant Classification Process June 2021. Collection method: clinical testing. Allele origin: germline. Affected: yes.
Comment: Has not been previously published as pathogenic or benign to our knowledge; In silico analysis, which includes protein predictors and evolutionary conservation, supports a deleterious effect; Reported in ClinVar as a variant of uncertain significance (ClinVar Variant ID# 573308; Landrum et al., 2016)